The following is an entry in ClinVar:

ClinVar aggregate classification (germline): Conflicting classifications of pathogenicity. Review status: criteria provided, conflicting classifications (1 of 4 stars). 3 submissions from 3 submitters: Likely pathogenic (2); Uncertain significance (1). Last evaluated 2024-05-26.

Conditions:
CHD7-related disorder. Also called: CHD7-related condition.
CHARGE syndrome (CHARGE). Also called: Hittner Hirsch Kreh syndrome; CHARGE ASSOCIATION--COLOBOMA, HEART ANOMALY, CHOANAL ATRESIA, RETARDATION, GENITAL AND EAR ANOMALIES; Coloboma, heart anomaly, choanal atresia, retardation, genital and ear anomalies; CHARGE association; Hall-Hittner syndrome. Identifiers: Orphanet 138, MedGen C0265354, MONDO:0008965.

Submissions (3):

Labcorp Genetics (formerly Invitae), Labcorp
Classification: Uncertain significance for CHARGE syndrome. Last evaluated: 2024-05-26. Review status: criteria provided, single submitter. Criteria: Invitae Variant Classification Sherloc (09022015). Collection method: clinical testing. Allele origin: germline.
Comment: This sequence change replaces aspartic acid, which is acidic and polar, with glycine, which is neutral and non-polar, at codon 1758 of the CHD7 protein (p.Asp1758Gly). This variant is not present in population databases (gnomAD no frequency). This variant has not been reported in the literature in individuals affected with CHD7-related conditions. ClinVar contains an entry for this variant (Variation ID: 1800517). Advanced modeling of protein sequence and biophysical properties (such as structural, functional, and spatial information, amino acid conservation, physicochemical variation, residue mobility, and thermodynamic stability) has been performed at Invitae for this missense variant, however the output from this modeling did not meet the statistical confidence thresholds required to predict the impact of this variant on CHD7 protein function. Algorithms developed to predict the effect of sequence changes on RNA splicing suggest that this variant may disrupt the consensus splice site. In summary, the available evidence is currently insufficient to determine the role of this variant in disease. Therefore, it has been classified as a Variant of Uncertain Significance.

PreventionGenetics, part of Exact Sciences
Classification: Likely pathogenic for CHD7-related condition. Last evaluated: 2023-09-08. Review status: criteria provided, single submitter. Criteria: ACMG Guidelines, 2015. Collection method: clinical testing. Allele origin: germline.
Comment: The CHD7 c.5273A>G variant is predicted to result in the amino acid substitution p.Asp1758Gly. This variant has been reported in a patient with CHARGE syndrome (Varimo et al. 2016. PubMed ID: 27927844). This variant has not been reported in a large population database, indicating this variant is rare. This variant is interpreted as likely pathogenic.

GeneDx
Classification: Likely pathogenic. Last evaluated: 2022-11-17. Review status: criteria provided, single submitter. Criteria: GeneDx Variant Classification Process June 2021. Collection method: clinical testing. Allele origin: germline. Affected: yes.
Comment: Reported in a patient with congenital hypogonadotropic hypogonadism in published literature (Varimo et al., 2017); Not observed in large population cohorts (gnomAD); In silico analysis supports that this missense variant has a deleterious effect on protein structure/function; In addition, in silico splice predictors suggest this variant may lead to abnormal gene splicing. In the absence of RNA/functional studies, the actual effect of this sequence change is unknown.; This variant is associated with the following publications: (PMID: 27927844)

NM_017780.4(CHD7):c.5273A>G (p.Asp1758Gly)

Gene: CHD7 (chromodomain helicase DNA binding protein 7; plus strand). Cytogenetic location: 8q12.2.
Variant type: single nucleotide variant.
Coding change: c.5273A>G on transcript NM_017780.4 (MANE Select); coding-DNA position 5273, A replaced by G.
Protein change: p.Asp1758Gly; replaces aspartic acid 1758 with glycine.
Molecular consequence: missense variant. On other transcripts: intron variant (1).
Genome position (GRCh38, 1-based): chr8:60,848,577, A>G. VCF-style: chr8-60848577-A-G. GRCh37 (hg19) VCF-style: chr8-61761136-A-G.
Other names: c.5273A>G (NM_017780.3); c.1717-13652A>G (NM_001316690.1); short protein forms D1758G.
Identifiers: ClinVar variation 1800517 (VCV001800517.4), dbSNP rs2487998678, ClinGen allele CA371320894.